The following is an entry in ClinVar:

NM_032043.3(BRIP1):c.2601_2615delinsTTT (p.Gln867_Ser872delinsHisLeu)

Gene: BRIP1 (BRCA1 interacting DNA helicase 1; minus strand). Cytogenetic location: 17q23.2.
Variant type: Indel.
Coding change: c.2601_2615delinsTTT on transcript NM_032043.3 (MANE Select); coding-DNA positions 2601 to 2615, GATTCAGCACCATTC replaced by TTT.
Protein change: p.Gln867_Ser872delinsHisLeu.
Molecular consequence: inframe indel.
Genome position (GRCh38, 1-based): chr17:61,686,126-61,686,140, GAATGGTGCTGAATC replaced by AAA on the plus strand (GATTCAGCACCATTC replaced by TTT on the coding strand, the reverse complement: BRIP1 is on the minus strand). VCF-style: chr17-61686126-GAATGGTGCTGAATC-AAA. GRCh37 (hg19) VCF-style: chr17-59763487-GAATGGTGCTGAATC-AAA.
Other names: c.2601_2615del15insTTT (NM_032043.2).
Identifiers: ClinVar variation 5033464 (VCV005033464.1).

ClinVar aggregate classification (germline): Uncertain significance (1 of 4 stars; one submission).

Conditions:
Hereditary cancer-predisposing syndrome. Also called: Neoplastic Syndromes, Hereditary; Tumor predisposition; Hereditary neoplastic syndrome; Hereditary Cancer Syndrome. Identifiers: Orphanet 140162, MedGen C0027672, MeSH D009386, MONDO:0015356.

Submission:

Ambry Genetics
Classification: Uncertain significance for Hereditary cancer-predisposing syndrome. Last evaluated: 2026-09-04. Review status: criteria provided, single submitter. Criteria: Ambry Variant Classification Scheme 2023. Collection method: clinical testing. Allele origin: germline.
Comment: The c.2601_2615del15insTTT variant (also known as p.Q867_S872delinsHL), located in coding exon 18 of the BRIP1 gene, results from an in-frame deletion of 15 nucleotides and insertion of TTT at nucleotide positions 2601 to 2615. This results in the deletion of 6 residues (QIQHHS) and the insertion of 2 new residues (HL) at codons 867 to 872. These amino acid positions are well conserved in available vertebrate species. In addition, this variant is predicted to be deleterious by in silico analysis (Choi Y et al. PLoS ONE. 2012; 7(10):e46688). Based on the available evidence, the clinical significance of this variant remains unclear.